The following is an entry in ClinVar:

NM_000318.3(PEX2):c.494C>A (p.Thr165Asn)

Gene: PEX2 (peroxisomal biogenesis factor 2; minus strand). Cytogenetic location: 8q21.13.
Variant type: single nucleotide variant.
Coding change: c.494C>A on transcript NM_000318.3 (MANE Select); coding-DNA position 494, C replaced by A.
Protein change: p.Thr165Asn; replaces threonine 165 with asparagine.
Molecular consequence: missense variant.
Genome position (GRCh38, 1-based): chr8:76,983,685, G>T on the plus strand (C>A on the coding strand, the complement: PEX2 is on the minus strand). VCF-style: chr8-76983685-G-T. GRCh37 (hg19) VCF-style: chr8-77895921-G-T.
Other names: c.494C>A, p.Thr165Asn (NM_001079867.2, NM_001172086.2, NM_001172087.2); short protein forms T165N.
Identifiers: ClinVar variation 1718349 (VCV001718349.5), dbSNP rs2487451744, ClinGen allele CA371557221.

ClinVar aggregate classification (germline): Uncertain significance (1 of 4 stars; one submission).

Conditions:
Peroxisome biogenesis disorder 5A (Zellweger) (PBD5A). Identifiers: Orphanet 912, MedGen C3553940, MONDO:0013932, OMIM 614866.

Submission:

Labcorp Genetics (formerly Invitae), Labcorp
Classification: Uncertain significance for Peroxisome biogenesis disorder 5A (Zellweger). Last evaluated: 2022-07-19. Review status: criteria provided, single submitter. Criteria: Invitae Variant Classification Sherloc (09022015). Collection method: clinical testing. Allele origin: germline.
Comment: In summary, the available evidence is currently insufficient to determine the role of this variant in disease. Therefore, it has been classified as a Variant of Uncertain Significance. Algorithms developed to predict the effect of missense changes on protein structure and function (SIFT, PolyPhen-2, Align-GVGD) all suggest that this variant is likely to be tolerated. This variant has not been reported in the literature in individuals affected with PEX2-related conditions. This variant is not present in population databases (gnomAD no frequency). This sequence change replaces threonine, which is neutral and polar, with asparagine, which is neutral and polar, at codon 165 of the PEX2 protein (p.Thr165Asn).